The following is an entry in ClinVar:

ClinVar aggregate classification (germline): Conflicting classifications of pathogenicity. Review status: criteria provided, conflicting classifications (1 of 4 stars). 3 submissions from 3 submitters: Likely pathogenic (2); Uncertain significance (1). Last evaluated 2026-06-08.

Conditions:
Juvenile myelomonocytic leukemia (JMML). Also called: LEUKEMIA, JUVENILE MYELOMONOCYTIC, SOMATIC. Identifiers: Orphanet 86834, MedGen C0349639, MONDO:0011908, OMIM 607785, HP:0012209.
Neurofibromatosis-Noonan syndrome (NFNS). Also called: NEUROFIBROMATOSIS WITH NOONAN PHENOTYPE. Identifiers: Orphanet 638, MedGen C2931482, MONDO:0011035, OMIM 601321. Disease mechanism: loss of function.
Neurofibromatosis, familial spinal (FSNF). Identifiers: Orphanet 636, MedGen C1834235, MONDO:0008078, OMIM 162210. Disease mechanism: loss of function.
Neurofibromatosis, type 1 (NF1). Also called: VON RECKLINGHAUSEN DISEASE; NEUROFIBROMATOSIS, TYPE I, SOMATIC; Peripheral type neurofibromatosis; Neurofibromatosis, type I. Identifiers: Orphanet 636, MedGen C0027831, MONDO:0018975, OMIM 162200. Disease mechanism: loss of function.
Café-au-lait macules with pulmonary stenosis (WTSN). Also called: PULMONIC STENOSIS WITH CAFE-AU-LAIT SPOTS. Identifiers: MedGen C0553586, MONDO:0008672, OMIM 193520.
Cardiovascular phenotype. Identifiers: MedGen CN230736.
Hereditary cancer-predisposing syndrome. Also called: Neoplastic Syndromes, Hereditary; Tumor predisposition; Hereditary Cancer Syndrome; Hereditary neoplastic syndrome. Identifiers: Orphanet 140162, MedGen C0027672, MeSH D009386, MONDO:0015356.

Submissions (3):

Ambry Genetics
Classification: Likely pathogenic for Cardiovascular phenotype; Hereditary cancer-predisposing syndrome. Last evaluated: 2026-06-08. Review status: criteria provided, single submitter. Criteria: Ambry Variant Classification Scheme 2023. Collection method: clinical testing. Allele origin: germline.
Comment: The c.7552+5G>C intronic variant results from a G to C substitution 5 nucleotides after coding exon 50 in the NF1 gene. This nucleotide position is well conserved in available vertebrate species. This variant was reported in individual(s) with features consistent with Neurofibromatosis type 1 (external communication; Ambry internal data). In silico splice site analysis predicts that this alteration will weaken the native splice donor site. This variant is considered to be rare based on population cohorts in the Genome Aggregation Database (gnomAD). Based on the majority of available evidence to date, this variant is likely to be pathogenic.

Mayo Clinic Laboratories, Mayo Clinic
Classification: Uncertain significance. Last evaluated: 2024-09-18. Review status: criteria provided, single submitter. Criteria: ACMG Guidelines, 2015. Collection method: clinical testing. Allele origin: germline. Observed: 1 variant allele.
Comment: PP3, PP4, PM2, PS1_moderate

Fulgent Genetics
Classification: Likely pathogenic for Neurofibromatosis, type 1; Neurofibromatosis, familial spinal; Café-au-lait macules with pulmonary stenosis; Neurofibromatosis-Noonan syndrome; Juvenile myelomonocytic leukemia. Last evaluated: 2024-06-06. Review status: criteria provided, single submitter. Criteria: ACMG Guidelines, 2015. Collection method: clinical testing. Allele origin: germline.

NM_001042492.3(NF1):c.7615+5G>C

Gene: NF1 (neurofibromin 1; plus strand). Cytogenetic location: 17q11.2.
Variant type: single nucleotide variant.
Coding change: c.7615+5G>C on transcript NM_001042492.3 (MANE Select); 5 bases into the intron after coding-DNA position 7615, G replaced by C.
Molecular consequence: intron variant.
Genome position (GRCh38, 1-based): chr17:31,352,419, G>C. VCF-style: chr17-31352419-G-C. GRCh37 (hg19) VCF-style: chr17-29679437-G-C.
Other names: c.7552+5G>C (NM_000267.4).
Identifiers: ClinVar variation 3380477 (VCV003380477.3).